The following is an entry in ClinVar:

ClinVar aggregate classification (germline): Uncertain significance. Review status: criteria provided, multiple submitters, no conflicts (2 of 4 stars). 2 submissions from 2 submitters: Uncertain significance (2). Last evaluated 2024-03-12.

Conditions:
Inborn genetic diseases. Identifiers: MedGen C0950123, MeSH D030342.

Allele frequency attached by ClinVar (database versions not stated): gnomAD exomes below 0.00001; gnomAD 0.00001; ExAC 0.00006.
gnomAD v4.1: 2 of 1,555,528 alleles (0.00013%); highest among the groups gnomAD compares: Non-Finnish European, 0.00017%; no homozygotes.

Submissions (2):

Ambry Genetics
Classification: Uncertain significance for Inborn genetic diseases. Last evaluated: 2024-03-12. Review status: criteria provided, single submitter. Criteria: Ambry Variant Classification Scheme 2023. Collection method: clinical testing. Allele origin: germline.

GeneDx
Classification: Uncertain significance. Last evaluated: 2019-07-18. Review status: criteria provided, single submitter. Criteria: GeneDx Variant Classification Process June 2021. Collection method: clinical testing. Allele origin: germline. Affected: yes.
Comment: Not observed at a significant frequency in large population cohorts (Lek et al., 2016); In silico analysis, which includes protein predictors and evolutionary conservation, supports that this variant does not alter protein structure/function; Has not been previously published as pathogenic or benign to our knowledge

NM_152393.4(KLHL40):c.605C>T (p.Ala202Val)

Gene: KLHL40 (kelch like family member 40; plus strand). Cytogenetic location: 3p22.1.
Variant type: single nucleotide variant.
Coding change: c.605C>T on transcript NM_152393.4 (MANE Select); coding-DNA position 605, C replaced by T.
Protein change: p.Ala202Val; replaces alanine 202 with valine.
Molecular consequence: missense variant.
Genome position (GRCh38, 1-based): chr3:42,686,223, C>T. VCF-style: chr3-42686223-C-T. GRCh37 (hg19) VCF-style: chr3-42727715-C-T.
Other names: c.605C>T (NM_152393.2); short protein forms A202V.
Identifiers: ClinVar variation 1198406 (VCV001198406.3), dbSNP rs746474867, ClinGen allele CA2336697.